The following is an entry in ClinVar:

ClinVar aggregate classification (germline): Uncertain significance (1 of 4 stars; one submission).

Conditions:
Hereditary diffuse gastric adenocarcinoma (HDGC). Also called: DIFFUSE GASTRIC AND LOBULAR BREAST CANCER SYNDROME. Identifiers: Orphanet 26106, MedGen C1708349, MONDO:0007648, OMIM 137215.

Submission:

Labcorp Genetics (formerly Invitae), Labcorp
Classification: Uncertain significance for Hereditary diffuse gastric adenocarcinoma. Last evaluated: 2023-12-05. Review status: criteria provided, single submitter. Criteria: Invitae Variant Classification Sherloc (09022015). Collection method: clinical testing. Allele origin: germline.
Comment: This sequence change replaces arginine, which is basic and polar, with glycine, which is neutral and non-polar, at codon 696 of the CDH1 protein (p.Arg696Gly). This variant is not present in population databases (gnomAD no frequency). This variant has not been reported in the literature in individuals affected with CDH1-related conditions. Algorithms developed to predict the effect of missense changes on protein structure and function output the following: SIFT: "Not Available"; PolyPhen-2: "Benign"; Align-GVGD: "Not Available". The glycine amino acid residue is found in multiple mammalian species, which suggests that this missense change does not adversely affect protein function. In summary, the available evidence is currently insufficient to determine the role of this variant in disease. Therefore, it has been classified as a Variant of Uncertain Significance.

NM_004360.5(CDH1):c.2086A>G (p.Arg696Gly)

Gene: CDH1 (cadherin 1; plus strand). Cytogenetic location: 16q22.1.
Variant type: single nucleotide variant.
Coding change: c.2086A>G on transcript NM_004360.5 (MANE Select); coding-DNA position 2086, A replaced by G.
Protein change: p.Arg696Gly; replaces arginine 696 with glycine.
Molecular consequence: missense variant.
Genome position (GRCh38, 1-based): chr16:68,823,548, A>G. VCF-style: chr16-68823548-A-G. GRCh37 (hg19) VCF-style: chr16-68857451-A-G.
Other names: c.1903A>G, p.Arg635Gly (NM_001317184.2); c.538A>G, p.Arg180Gly (NM_001317185.2); c.121A>G, p.Arg41Gly (NM_001317186.2); short protein forms R41G, R696G, R180G, R635G.
Identifiers: ClinVar variation 2700976 (VCV002700976.3), dbSNP rs2152139534, ClinGen allele CA396467821.